The following is an entry in ClinVar:

ClinVar aggregate classification (germline): Conflicting classifications of pathogenicity. Review status: criteria provided, conflicting classifications (1 of 4 stars). 5 submissions from 5 submitters: Likely pathogenic (1); Uncertain significance (2); Likely benign (1). 1 of the submissions does not count toward it. Last evaluated 2026-01-26.

Conditions:
CNGB3-related disorder. Also called: CNGB3-related condition; CNGB3-related disorders. Identifiers: MedGen CN239340.
Inborn genetic diseases. Identifiers: MedGen C0950123, MeSH D030342.
Achromatopsia. Also called: Rod monochromatism. Identifiers: Orphanet 49382, MedGen C0152200, MONDO:0018852, HP:0011516.

Allele frequency attached by ClinVar (database versions not stated): TOPMed 0.00005; gnomAD 0.00006; gnomAD exomes 0.00007 and 0.00016; ExAC 0.00008.
gnomAD v4.1: 246 of 1,613,528 alleles (0.015%); highest among the groups gnomAD compares: Non-Finnish European, 0.02%; no homozygotes.

Submissions (5):

Labcorp Genetics (formerly Invitae), Labcorp
Classification: Likely benign. Last evaluated: 2026-01-26. Review status: criteria provided, single submitter. Criteria: Invitae Variant Classification Sherloc (09022015). Collection method: clinical testing. Allele origin: germline.

Ambry Genetics
Classification: Uncertain significance for Inborn genetic diseases. Last evaluated: 2025-06-12. Review status: criteria provided, single submitter. Criteria: Ambry Variant Classification Scheme 2023. Collection method: clinical testing. Allele origin: germline.

Blueprint Genetics
Classification: Likely pathogenic for CNGB3-related disorders. Last evaluated: 2024-01-17. Review status: criteria provided, single submitter. Criteria: ACMG Guidelines, 2015. Collection method: clinical testing. Allele origin: germline. Affected: yes. Observed: 5 variant alleles.

GeneDx
Classification: Uncertain significance. Last evaluated: 2022-04-27. Review status: criteria provided, single submitter. Criteria: GeneDx Variant Classification Process June 2021. Collection method: clinical testing. Allele origin: germline. Affected: yes.
Comment: In silico analyses, including protein predictors and evolutionary conservation, support a deleterious effect; Has not been previously published as pathogenic or benign to our knowledge

Natera, Inc.
Classification: Uncertain significance for Achromatopsia. Last evaluated: 2020-01-24. Review status: no assertion criteria provided. Collection method: clinical testing. Allele origin: germline. Not counted in ClinVar's aggregate classification.

NM_019098.5(CNGB3):c.2387A>G (p.Glu796Gly)

Gene: CNGB3 (cyclic nucleotide gated channel subunit beta 3; minus strand). Cytogenetic location: 8q21.3.
Variant type: single nucleotide variant.
Coding change: c.2387A>G on transcript NM_019098.5 (MANE Select); coding-DNA position 2387, A replaced by G.
Protein change: p.Glu796Gly; replaces glutamic acid 796 with glycine.
Molecular consequence: missense variant.
Genome position (GRCh38, 1-based): chr8:86,575,847, T>C on the plus strand (A>G on the coding strand, the complement: CNGB3 is on the minus strand). VCF-style: chr8-86575847-T-C. GRCh37 (hg19) VCF-style: chr8-87588075-T-C.
Other names: short protein forms E796G.
Identifiers: ClinVar variation 863888 (VCV000863888.16), dbSNP rs781481819, ClinGen allele CA4799735.
Genomic context (GRCh38, chr8:86,575,847, plus strand): 5'-TAAAGATAATCAAACATTTATTGCTTAGCCTTTTCTTTGACTTCAATAGTAAGAACCTCT[T>C]CTCCGCCCTCAGCAGAAGGAGCCATGCTGATAATGAGTGATTGACGAGAAGTCCCTCTGG-3'
Protein context (NP_061971.3, residues 786-806): ISMAPSAEGG[Glu796Gly]EVLTIEVKEK